The following is an entry in ClinVar:

ClinVar aggregate classification (germline): Uncertain significance (1 of 4 stars; one submission).

Conditions:
P2RX2-related disorder. Also called: P2RX2-related condition.

Submission:

PreventionGenetics, part of Exact Sciences
Classification: Uncertain significance for P2RX2-related condition. Last evaluated: 2026-04-25. Review status: criteria provided, single submitter. Criteria: ACMG Guidelines, 2015. Collection method: clinical testing. Allele origin: germline.
Comment: The P2RX2 c.841C>T variant is predicted to result in the amino acid substitution p.Pro281Ser. To our knowledge, this variant has not been reported in the literature. This variant is reported in 0.0018% of alleles in individuals of European (Non-Finnish) descent in gnomAD. At this time, the clinical significance of this variant is uncertain due to the absence of conclusive functional and genetic evidence.

NM_170682.4(P2RX2):c.841C>T (p.Pro281Ser)

Gene: P2RX2 (purinergic receptor P2X 2; plus strand). Cytogenetic location: 12q24.33.
Variant type: single nucleotide variant.
Coding change: c.841C>T on transcript NM_170682.4 (MANE Select); coding-DNA position 841, C replaced by T.
Protein change: p.Pro281Ser; replaces proline 281 with serine.
Molecular consequence: missense variant.
Genome position (GRCh38, 1-based): chr12:132,621,067, C>T. VCF-style: chr12-132621067-C-T. GRCh37 (hg19) VCF-style: chr12-133197653-C-T.
Other names: c.739C>T, p.Pro247Ser (NM_001282164.2); c.841C>T, p.Pro281Ser (NM_001282165.2, NM_170683.4, NM_174873.3); c.625C>T, p.Pro209Ser (NM_012226.5); c.769C>T, p.Pro257Ser (NM_016318.4); c.565C>T, p.Pro189Ser (NM_174872.3); short protein forms P257S, P209S, P281S, P189S, P247S.
Identifiers: ClinVar variation 4980600 (VCV004980600.1).